The following is an entry in ClinVar:

ClinVar aggregate classification (germline): Conflicting classifications of pathogenicity. Review status: criteria provided, conflicting classifications (1 of 4 stars). 3 submissions from 3 submitters: Uncertain significance (1); Likely benign (2). Last evaluated 2025-07-13.

Conditions:
Tuberous sclerosis 1 (TSC1). Identifiers: Orphanet 805, MedGen C1854465, MONDO:0008612, OMIM 191100.
Lymphangiomyomatosis (LAM). Also called: Lymphangioleiomyomatosis, somatic; Lymphangioleiomyomatosis. Identifiers: Orphanet 538, MedGen C0751674, MONDO:0011705, OMIM 606690.
Isolated focal cortical dysplasia type II (FCORD2). Also called: Focal cortical dysplasia type II; CORTICAL DYSPLASIA OF TAYLOR. Identifiers: Orphanet 268994, MedGen C1846385, MONDO:0011818, OMIM 607341, HP:0032051.

gnomAD v4.1: 1 of 1,614,138 alleles (0.000062%); highest among the groups gnomAD compares: Non-Finnish European, 0.000085%; no homozygotes.

Submissions (3):

Labcorp Genetics (formerly Invitae), Labcorp
Classification: Likely benign for Tuberous sclerosis 1. Last evaluated: 2025-07-13. Review status: criteria provided, single submitter. Criteria: Invitae Variant Classification Sherloc (09022015). Collection method: clinical testing. Allele origin: germline.

Blueprint Genetics
Classification: Likely benign. Last evaluated: 2024-07-26. Review status: criteria provided, single submitter. Criteria: ACMG Guidelines, 2015. Collection method: clinical testing. Allele origin: germline.

Center for Genomics, Ann and Robert H. Lurie Children's Hospital of Chicago
Classification: Uncertain significance for Isolated focal cortical dysplasia type II; Tuberous sclerosis 1; Lymphangiomyomatosis. Last evaluated: 2022-03-30. Review status: criteria provided, single submitter. Criteria: ACMG Guidelines, 2015. Collection method: clinical testing. Allele origin: germline.
Comment: This variant has not been reported in the literature and is not present in large control databases. Evolutionary conservation and computational predictive tools for this variant are limited or unavailable. Of note, this variant is a silent variant and does not change the amino acid, reducing the probability that this variant is disease causing. In summary, data on this variant is insufficient for disease classification. Therefore, the clinical significance of this variant is uncertain.

NM_000368.5(TSC1):c.2440C>T (p.Leu814=)

Gene: TSC1 (TSC complex subunit 1; minus strand). Cytogenetic location: 9q34.13.
Variant type: single nucleotide variant.
Coding change: c.2440C>T on transcript NM_000368.5 (MANE Select); coding-DNA position 2440, C replaced by T.
Protein change: p.Leu814=; no amino-acid change (leucine 814 retained).
Molecular consequence: synonymous variant.
Genome position (GRCh38, 1-based): chr9:132,901,651, G>A on the plus strand (C>T on the coding strand, the complement: TSC1 is on the minus strand). VCF-style: chr9-132901651-G-A. GRCh37 (hg19) VCF-style: chr9-135777038-G-A.
Other names: c.2437C>T, p.Leu813= (NM_001162426.2); c.2287C>T, p.Leu763= (NM_001162427.2); c.2077C>T, p.Leu693= (NM_001362177.2).
Identifiers: ClinVar variation 1626762 (VCV001626762.9), dbSNP rs199517042, ClinGen allele CA200885155.